The following is an entry in ClinVar:

NM_001134407.3(GRIN2A):c.2802G>A (p.Met934Ile)

Gene: GRIN2A (glutamate ionotropic receptor NMDA type subunit 2A; minus strand). Cytogenetic location: 16p13.2.
Variant type: single nucleotide variant.
Coding change: c.2802G>A on transcript NM_001134407.3 (MANE Select); coding-DNA position 2802, G replaced by A.
Protein change: p.Met934Ile; replaces methionine 934 with isoleucine.
Molecular consequence: missense variant.
Genome position (GRCh38, 1-based): chr16:9,764,742, C>T on the plus strand (G>A on the coding strand, the complement: GRIN2A is on the minus strand). VCF-style: chr16-9764742-C-T. GRCh37 (hg19) VCF-style: chr16-9858599-C-T.
Other names: c.2802G>A, p.Met934Ile (NM_000833.5, NM_001134408.2); short protein forms M934I.
Identifiers: ClinVar variation 2504964 (VCV002504964.1), dbSNP rs2141136926, ClinGen allele CA394709327.

ClinVar aggregate classification (germline): Uncertain significance (1 of 4 stars; one submission).

Submission:

GeneDx
Classification: Uncertain significance. Last evaluated: 2022-12-06. Review status: criteria provided, single submitter. Criteria: GeneDx Variant Classification Process June 2021. Collection method: clinical testing. Allele origin: germline. Affected: yes.
Comment: Not observed at significant frequency in large population cohorts (gnomAD); In silico analysis supports that this missense variant does not alter protein structure/function; Has not been previously published as pathogenic or benign to our knowledge